The following is an entry in ClinVar:

NM_001126108.2(SLC12A3):c.602-16G>A

Gene: SLC12A3 (solute carrier family 12 member 3; plus strand). Cytogenetic location: 16q13.
Variant type: single nucleotide variant.
Coding change: c.602-16G>A on transcript NM_001126108.2 (MANE Select); 16 bases into the intron before coding-DNA position 602, G replaced by A.
Molecular consequence: intron variant.
Genome position (GRCh38, 1-based): chr16:56,870,080, G>A. VCF-style: chr16-56870080-G-A. GRCh37 (hg19) VCF-style: chr16-56903992-G-A.
Other names: c.602-16G>A (NM_000339.3); c.599-16G>A (NM_001126107.2).
Identifiers: ClinVar variation 1684175 (VCV001684175.15), dbSNP rs750901478, ClinGen allele CA8069127.

ClinVar aggregate classification (germline): Pathogenic/Likely pathogenic. Review status: criteria provided, multiple submitters, no conflicts (2 of 4 stars). 9 submissions from 9 submitters: Pathogenic (7); Likely pathogenic (2). Last evaluated 2025-10-29.

Conditions:
Familial hypokalemia-hypomagnesemia (GTLMNS). Also called: HYPOMAGNESEMIA-HYPOKALEMIA, PRIMARY RENOTUBULAR, WITH HYPOCALCIURIA; POTASSIUM AND MAGNESIUM DEPLETION; gitelman syndrome. Identifiers: Orphanet 358, MedGen C0268450, MONDO:0009904, OMIM 263800.
Renal tubulopathies.
SLC12A3-related disorder. Also called: SLC12A3-related condition.

Allele frequency attached by ClinVar (database versions not stated): ExAC 0.00002; gnomAD exomes 0.00005 and 0.00006; gnomAD 0.00009; TOPMed 0.00013.
gnomAD v4.1: 82 of 1,611,626 alleles (0.0051%); highest among the groups gnomAD compares: Admixed American, 0.032%; no homozygotes.

Submissions (9):

Kasturba Medical College, Manipal, Kasturba Medical College, Manipal, Manipal Academy of Higher Education, Manipal, India
Classification: Pathogenic for Familial hypokalemia-hypomagnesemia. Last evaluated: 2025-10-29. Review status: criteria provided, single submitter. Criteria: ACMG Guidelines, 2015. Collection method: research. Allele origin: germline. Inheritance: Autosomal recessive inheritance. Affected: yes.
Comment: This variant is absent in homozygous state and present in 82 individuals in heterozygous state (allele frequency: 0.00005088) in gnomAD (v4.1.0). This variant is absent in our in-house database of 3851 exomes. Rossanti et al. (2022), using a minigene system, found that this variant leads to aberrant splicing and subsequent inclusion of a 14-bp pseudo-exon by creating a new acceptor site.

Genetics Laboratory, Great Ormond Street Hospital NHS Foundation Trust, North Thames Genomic Laboratory Hub
Classification: Pathogenic for Renal tubulopathies. Last evaluated: 2025-09-29. Review status: criteria provided, single submitter. Criteria: ACGS Best Practice Guidelines for Variant Classification in Rare Disease 2024 v1.2. Collection method: clinical testing. Allele origin: germline. Affected: yes.
Comment: PM2_moderate, PVS1_very-strong, PM3_moderate

Natera, Inc.
Classification: Pathogenic for Gitelman syndrome. Last evaluated: 2025-06-06. Review status: criteria provided, single submitter. Criteria: Natera Variant Classification Schema (03/2026). Collection method: clinical testing. Allele origin: germline.
Comment: The c.602-16G>A variant in SLC12A3 is an intronic variant located outside the canonical splice sites. This variant is rare in the general population with a frequency below the threshold expected for the associated phenotype(s). This variant has been observed in one or more individuals affected with the associated recessive disease, as either homozygous or compound heterozygous with a second variant (PMID: 37197138, 33996672). Functional studies show that this variant may disrupt protein function (PMID: 36302598, 35785516). Computational prediction algorithms indicate this variant is likely to affect gene or protein function. Given the available evidence, this variant is classified as Pathogenic.

3billion
Classification: Pathogenic for Familial hypokalemia-hypomagnesemia. Last evaluated: 2024-07-30. Review status: criteria provided, single submitter. Criteria: ACMG Guidelines, 2015. Collection method: clinical testing. Allele origin: germline. Affected: yes.
Comment: The variant is observed at an extremely low frequency in the gnomAD v4.0.0 dataset (total allele frequency: 0.005%). Intron variant: previously reported to alter splicing and result in a loss of normal protein function through nonsense-mediated decay (NMD) or protein truncation (PMID: 35785516). In silico tools predict the variant to alter splicing and produce an abnormal transcript [SpliceAI: 0.97 (spliceogenicity >=0.2)]. The variant has been reported to be in trans with a pathogenic variant as either compound heterozygous or homozygous in at least one similarly affected unrelated individual (PMID: 32758191 / 3billion dataset). The variant has been reported to be associated with SLC12A3-related disorder (ClinVar ID: VCV001684175 / PMID: 22009145). Therefore, this variant is classified as pathogenic according to the recommendation of ACMG/AMP guideline.

Fulgent Genetics
Classification: Pathogenic for Familial hypokalemia-hypomagnesemia. Last evaluated: 2024-03-23. Review status: criteria provided, single submitter. Criteria: ACMG Guidelines, 2015. Collection method: clinical testing. Allele origin: germline.

Labcorp Genetics (formerly Invitae), Labcorp
Classification: Likely pathogenic. Last evaluated: 2023-12-11. Review status: criteria provided, single submitter. Criteria: Invitae Variant Classification Sherloc (09022015). Collection method: clinical testing. Allele origin: germline.
Comment: This sequence change falls in intron 4 of the SLC12A3 gene. It does not directly change the encoded amino acid sequence of the SLC12A3 protein. This variant is present in population databases (rs750901478, gnomAD 0.02%). This variant has been observed in individual(s) with Gitelman syndrome (PMID: 32758191, 35785516). In at least one individual the data is consistent with being in trans (on the opposite chromosome) from a pathogenic variant. ClinVar contains an entry for this variant (Variation ID: 1684175). Studies have shown that this variant alters mRNA splicing and is expected to lead to the loss of protein expression (PMID: 35785516). In summary, the currently available evidence indicates that the variant is pathogenic, but additional data are needed to prove that conclusively. Therefore, this variant has been classified as Likely Pathogenic.

European Hospital Georges Pompidou Genetics Department, Assistance Publique - Hôpitaux de Paris AP-HP
Classification: Pathogenic for Familial hypokalemia-hypomagnesemia. Last evaluated: 2022-04-27. Review status: criteria provided, single submitter. Criteria: ACMG Guidelines, 2015. Collection method: clinical testing, in vitro. Allele origin: germline. Affected: yes.
Comment: ACMG criteria used:PS3, PM2, PM3, PP3, PP5

Blueprint Genetics
Classification: Likely pathogenic for SLC12A3-related disorders. Last evaluated: 2020-07-23. Review status: criteria provided, single submitter. Criteria: ACMG Guidelines, 2015. Collection method: clinical testing. Allele origin: germline. Affected: yes. Observed: 3 variant alleles.

Juno Genomics, Hangzhou Juno Genomics, Inc
Classification: Pathogenic for Familial hypokalemia-hypomagnesemia. Review status: criteria provided, single submitter. Criteria: ACMG Guidelines, 2015. Collection method: clinical testing. Allele origin: germline. Affected: yes.
Comment: Absent from controls (or at extremely low frequency if recessive) in Genome Aggregation Database, Exome Sequencing Project, 1000 Genomes Project, or Exome Aggregation Consortium.;For recessive disorders, detected in trans with a pathogenic variant.;Patient's phenotype or family history is highly specific for a disease with a single genetic etiology.;Multiple lines of computational evidence support a deleterious effect on the gene or gene product (conservation, evolutionary, splicing impact, etc).

Literature cited by the submitters: PubMed 35785516 (cited by 3 submitters); PubMed 37197138 (cited by Kasturba Medical College, Manipal, Kasturba Medical College, Manipal, Manipal Academy of Higher Education, Manipal, India and Natera, Inc.); PubMed 33996672 (cited by Natera, Inc.); PubMed 36302598 (cited by Natera, Inc.); PubMed 32758191 (cited by Labcorp Genetics (formerly Invitae), Labcorp).